The following is an entry in ClinVar:

NM_002471.4(MYH6):c.602T>C (p.Ile201Thr)

Genes: MYH6 (myosin heavy chain 6; minus strand), LOC114827851 (VISTA enhancer hs2155; plus strand). Cytogenetic location: 14q11.2.
Variant type: single nucleotide variant.
Coding change: c.602T>C on transcript NM_002471.4 (MANE Select); coding-DNA position 602, T replaced by C.
Protein change: p.Ile201Thr; replaces isoleucine 201 with threonine.
Molecular consequence: missense variant.
Genome position (GRCh38, 1-based): chr14:23,404,751, A>G on the plus strand (T>C on the coding strand, the complement: MYH6 is on the minus strand). VCF-style: chr14-23404751-A-G. GRCh37 (hg19) VCF-style: chr14-23873960-A-G.
Other names: short protein forms I201T.
Identifiers: ClinVar variation 4827347 (VCV004827347.1).

ClinVar aggregate classification (germline): Uncertain significance (1 of 4 stars; one submission).

Conditions:
Cardiovascular phenotype. Identifiers: MedGen CN230736.

Submission:

Ambry Genetics
Classification: Uncertain significance for Cardiovascular phenotype. Last evaluated: 2026-03-12. Review status: criteria provided, single submitter. Criteria: Ambry Variant Classification Scheme 2023. Collection method: clinical testing. Allele origin: germline.
Comment: The p.I201T variant (also known as c.602T>C), located in coding exon 5 of the MYH6 gene, results from a T to C substitution at nucleotide position 602. The isoleucine at codon 201 is replaced by threonine, an amino acid with similar properties. This amino acid position is conserved. In addition, this alteration is predicted to be tolerated by in silico analysis. Based on the available evidence, the clinical significance of this variant remains unclear.